The following is an entry in ClinVar:

ClinVar aggregate classification (germline): Uncertain significance (1 of 4 stars; one submission).

Conditions:
Pulmonary hypertension, primary, 4. Identifiers: Orphanet 422, MedGen C3809198, MONDO:0014136, OMIM 615344.

Allele frequency attached by ClinVar (database versions not stated): gnomAD exomes below 0.00001.
gnomAD v4.1: 1 of 1,488,942 alleles (0.000067%); highest among the groups gnomAD compares: Non-Finnish European, 0.000089%; no homozygotes.

Submission:

Labcorp Genetics (formerly Invitae), Labcorp
Classification: Uncertain significance for Pulmonary hypertension, primary, 4. Last evaluated: 2020-10-13. Review status: criteria provided, single submitter. Criteria: Invitae Variant Classification Sherloc (09022015). Collection method: clinical testing. Allele origin: germline.
Comment: This sequence change replaces alanine with threonine at codon 10 of the KCNK3 protein (p.Ala10Thr). The alanine residue is moderately conserved and there is a small physicochemical difference between alanine and threonine. The frequency data for this variant in the population databases is considered unreliable, as metrics indicate insufficient coverage at this position in the ExAC database. This variant has not been reported in the literature in individuals with KCNK3-related conditions. Algorithms developed to predict the effect of missense changes on protein structure and function (SIFT, PolyPhen-2, Align-GVGD) all suggest that this variant is likely to be tolerated, but these predictions have not been confirmed by published functional studies and their clinical significance is uncertain. In summary, the available evidence is currently insufficient to determine the role of this variant in disease. Therefore, it has been classified as a Variant of Uncertain Significance.

NM_002246.3(KCNK3):c.28G>A (p.Ala10Thr)

Gene: KCNK3 (potassium two pore domain channel subfamily K member 3; plus strand). Cytogenetic location: 2p23.3.
Variant type: single nucleotide variant.
Coding change: c.28G>A on transcript NM_002246.3 (MANE Select); coding-DNA position 28, G replaced by A.
Protein change: p.Ala10Thr; replaces alanine 10 with threonine.
Molecular consequence: missense variant.
Genome position (GRCh38, 1-based): chr2:26,692,903, G>A. VCF-style: chr2-26692903-G-A. GRCh37 (hg19) VCF-style: chr2-26915771-G-A.
Other names: short protein forms A10T.
Identifiers: ClinVar variation 1018829 (VCV001018829.8), dbSNP rs1670187610, ClinGen allele CA346260869.